The following is an entry in ClinVar:

NM_022132.5(MCCC2):c.-38G>A

Gene: MCCC2 (methylcrotonyl-CoA carboxylase subunit 2; plus strand). Cytogenetic location: 5q13.2.
Variant type: single nucleotide variant.
Coding change: c.-38G>A on transcript NM_022132.5 (MANE Select); 38 bases upstream of the start codon, G replaced by A.
Molecular consequence: 5 prime UTR variant.
Genome position (GRCh38, 1-based): chr5:71,587,388, G>A. VCF-style: chr5-71587388-G-A. GRCh37 (hg19) VCF-style: chr5-70883215-G-A.
Other names: c.-38G>A (NM_001363147.1).
Identifiers: ClinVar variation 354100 (VCV000354100.5), dbSNP rs186132078, ClinGen allele CA3297643.

ClinVar aggregate classification (germline): Conflicting classifications of pathogenicity. Review status: criteria provided, conflicting classifications (1 of 4 stars). 2 submissions from 2 submitters: Uncertain significance (1); Likely benign (1). Last evaluated 2018-01-13.

Conditions:
3-methylcrotonyl-CoA carboxylase 2 deficiency. Also called: METHYLCROTONYLGLYCINURIA, TYPE II; 3 alpha methylcrotonyl-CoA carboxylase 2 deficiency; 3 alpha methylcrotonylglycinuria 2; MCC 2 deficiency; Methylcrotonylglycinuria type 2. Identifiers: Orphanet 6, MedGen C1859499, MONDO:0008862, OMIM 210210.

Allele frequency attached by ClinVar (database versions not stated): gnomAD exomes 0.00032 and 0.00074; ExAC 0.00047; ESP Exome Variant Server 0.00112; 1000 Genomes Project 0.00319; 1000 Genomes Project 30x 0.00375; gnomAD 0.00375 and 0.00403; TOPMed 0.00415.
gnomAD v4.1: 1,039 of 1,530,168 alleles (0.068%); highest among the groups gnomAD compares: African/African-American, 1.3%; 5 homozygotes.

Submissions (2):

Illumina Laboratory Services, Illumina
Classification: Uncertain significance for 3-methylcrotonyl-CoA carboxylase 2 deficiency. Last evaluated: 2018-01-13. Review status: criteria provided, single submitter. Criteria: ICSL Variant Classification Criteria 13 December 2019. Collection method: clinical testing. Allele origin: germline.

GeneDx
Classification: Likely benign. Last evaluated: 2017-11-07. Review status: criteria provided, single submitter. Criteria: GeneDx Variant Classification (06012015). Collection method: clinical testing. Allele origin: germline. Affected: yes.
Comment: This variant is considered likely benign or benign based on one or more of the following criteria: it is a conservative change, it occurs at a poorly conserved position in the protein, it is predicted to be benign by multiple in silico algorithms, and/or has population frequency not consistent with disease.